The following is an entry in ClinVar:

ClinVar aggregate classification (germline): Uncertain significance (1 of 4 stars; one submission).

Submission:

GeneDx
Classification: Uncertain significance. Last evaluated: 2024-05-16. Review status: criteria provided, single submitter. Criteria: GeneDx Variant Classification Process June 2021. Collection method: clinical testing. Allele origin: germline. Affected: yes.
Comment: Not observed at significant frequency in large population cohorts (gnomAD); In-frame deletion of 8 amino acids in a non-repeat region; In silico analysis supports a deleterious effect on protein structure/function; Has not been previously published as pathogenic or benign to our knowledge

NM_006922.4(SCN3A):c.5146_5169del (p.Ala1716_Pro1723del)

Gene: SCN3A (sodium voltage-gated channel alpha subunit 3; minus strand). Cytogenetic location: 2q24.3.
Variant type: Deletion.
Coding change: c.5146_5169del on transcript NM_006922.4 (MANE Select); coding-DNA positions 5146 to 5169, 24 bases deleted (GCACCTATTCTTAATAGTGCACCA).
Protein change: p.Ala1716_Pro1723del.
Genome position (GRCh38, 1-based): chr2:165,090,984-165,091,007, TGGTGCACTATTAAGAATAGGTGC deleted on the plus strand (GCACCTATTCTTAATAGTGCACCA on the coding strand, the reverse complement: SCN3A is on the minus strand); deleting any 24 consecutive bases within chr2:165,090,984-165,091,008 gives the same sequence; the c. name uses the placement nearest the transcript's 3' end. VCF-style (leftmost placement, unchanged base first): chr2-165090983-GTGGTGCACTATTAAGAATAGGTGC-G. GRCh37 (hg19) VCF-style: chr2-165947493-GTGGTGCACTATTAAGAATAGGTGC-G.
Other names: c.4999_5022del, p.Ala1667_Pro1674del (NM_001081676.2, NM_001081677.2).
Identifiers: ClinVar variation 3377931 (VCV003377931.1).
Genomic context (GRCh38, chr2:165,090,983, plus strand): 5'-GGTTCCCACAGTCTCCCTTAACTGAGCTGCCAGGGTGAATTGTGTCAGGGTCACAGTCGG[GTGGTGCACTATTAAGAATAGGTGC>G]TAGCAATCCATCCCAGCCAGCAGAGGTTGTAATTTGGAACAAGCAGATCATGCTGTTGCC-3'